The following is an entry in ClinVar:

NM_017433.5(MYO3A):c.4187A>G (p.Tyr1396Cys)

Gene: MYO3A (myosin IIIA; plus strand). Cytogenetic location: 10p12.1.
Variant type: single nucleotide variant.
Coding change: c.4187A>G on transcript NM_017433.5 (MANE Select); coding-DNA position 4187, A replaced by G.
Protein change: p.Tyr1396Cys; replaces tyrosine 1396 with cysteine.
Molecular consequence: missense variant.
Genome position (GRCh38, 1-based): chr10:26,174,451, A>G. VCF-style: chr10-26174451-A-G. GRCh37 (hg19) VCF-style: chr10-26463380-A-G.
Other names: short protein forms Y1396C.
Identifiers: ClinVar variation 1464968 (VCV001464968.6), dbSNP rs761085845, ClinGen allele CA5445390.
Genomic context (GRCh38, chr10:26,174,451, plus strand): 5'-ATCAGAGGATTGTCACAACACCAACAGAAGTAGCAAGAAACACTCATAATTTGTATTCCT[A>G]TCCCACAAAACATGAGGAAATCAATAACATCAAGAAGAAGGATAACAAAGACTCGAAAGC-3'
Protein context (NP_059129.3, residues 1386-1406): VARNTHNLYS[Tyr1396Cys]PTKHEEINNI

ClinVar aggregate classification (germline): Uncertain significance (1 of 4 stars; one submission).

Allele frequency attached by ClinVar (database versions not stated): gnomAD exomes below 0.00001; ExAC 0.00001; gnomAD 0.00001; TOPMed 0.00001.
gnomAD v4.1: 3 of 1,614,084 alleles (0.00019%); highest among the groups gnomAD compares: African/African-American, 0.0013%; no homozygotes.

Submission:

Labcorp Genetics (formerly Invitae), Labcorp
Classification: Uncertain significance. Last evaluated: 2025-08-04. Review status: criteria provided, single submitter. Criteria: Invitae Variant Classification Sherloc (09022015). Collection method: clinical testing. Allele origin: germline.
Comment: This sequence change replaces tyrosine, which is neutral and polar, with cysteine, which is neutral and slightly polar, at codon 1396 of the MYO3A protein (p.Tyr1396Cys). This variant is present in population databases (rs761085845, gnomAD 0.0009%). This variant has not been reported in the literature in individuals affected with MYO3A-related conditions. ClinVar contains an entry for this variant (Variation ID: 1464968). Invitae Evidence Modeling of protein sequence and biophysical properties (such as structural, functional, and spatial information, amino acid conservation, physicochemical variation, residue mobility, and thermodynamic stability) indicates that this missense variant is not expected to disrupt MYO3A protein function with a negative predictive value of 80%. In summary, the available evidence is currently insufficient to determine the role of this variant in disease. Therefore, it has been classified as a Variant of Uncertain Significance.